The following is an entry in ClinVar:

ClinVar aggregate classification (germline): Uncertain significance (1 of 4 stars; one submission).

Allele frequency attached by ClinVar (database versions not stated): gnomAD exomes below 0.00001.
gnomAD v4.1: 1 of 1,614,040 alleles (0.000062%); no homozygotes.

Submission:

Labcorp Genetics (formerly Invitae), Labcorp
Classification: Uncertain significance. Last evaluated: 2025-01-06. Review status: criteria provided, single submitter. Criteria: Invitae Variant Classification Sherloc (09022015). Collection method: clinical testing. Allele origin: germline.
Comment: This sequence change replaces leucine, which is neutral and non-polar, with proline, which is neutral and non-polar, at codon 810 of the WHRN protein (p.Leu810Pro). This variant is present in population databases (no rsID available, gnomAD 0.004%). This variant has not been reported in the literature in individuals affected with WHRN-related conditions. ClinVar contains an entry for this variant (Variation ID: 2128416). An algorithm developed to predict the effect of missense changes on protein structure and function (PolyPhen-2) suggests that this variant is likely to be tolerated. In summary, the available evidence is currently insufficient to determine the role of this variant in disease. Therefore, it has been classified as a Variant of Uncertain Significance.

NM_015404.4(WHRN):c.2429T>C (p.Leu810Pro)

Gene: WHRN (whirlin; minus strand). Cytogenetic location: 9q32.
Variant type: single nucleotide variant.
Coding change: c.2429T>C on transcript NM_015404.4 (MANE Select); coding-DNA position 2429, T replaced by C.
Protein change: p.Leu810Pro; replaces leucine 810 with proline.
Molecular consequence: missense variant.
Genome position (GRCh38, 1-based): chr9:114,403,329, A>G on the plus strand (T>C on the coding strand, the complement: WHRN is on the minus strand). VCF-style: chr9-114403329-A-G. GRCh37 (hg19) VCF-style: chr9-117165609-A-G.
Other names: c.1280T>C, p.Leu427Pro (NM_001083885.3); c.2426T>C, p.Leu809Pro (NM_001173425.2); c.1376T>C, p.Leu459Pro (NM_001346890.1); short protein forms L809P, L810P, L427P, L459P.
Identifiers: ClinVar variation 2128416 (VCV002128416.4), dbSNP rs1386925668, ClinGen allele CA374619333.